The following is an entry in ClinVar:

ClinVar aggregate classification (germline): Uncertain significance (1 of 4 stars; one submission).

gnomAD v4.1: 1 of 1,613,876 alleles (0.000062%); highest among the groups gnomAD compares: African/African-American, 0.0013%; no homozygotes.

Submission:

Labcorp Genetics (formerly Invitae), Labcorp
Classification: Uncertain significance. Last evaluated: 2025-01-06. Review status: criteria provided, single submitter. Criteria: Invitae Variant Classification Sherloc (09022015). Collection method: clinical testing. Allele origin: germline.
Comment: This sequence change replaces threonine, which is neutral and polar, with arginine, which is basic and polar, at codon 219 of the KCNH1 protein (p.Thr219Arg). This variant is not present in population databases (gnomAD no frequency). This variant has not been reported in the literature in individuals affected with KCNH1-related conditions. ClinVar contains an entry for this variant (Variation ID: 1479270). Invitae Evidence Modeling of protein sequence and biophysical properties (such as structural, functional, and spatial information, amino acid conservation, physicochemical variation, residue mobility, and thermodynamic stability) has been performed for this missense variant. However, the output from this modeling did not meet the statistical confidence thresholds required to predict the impact of this variant on KCNH1 protein function. In summary, the available evidence is currently insufficient to determine the role of this variant in disease. Therefore, it has been classified as a Variant of Uncertain Significance.

NM_172362.3(KCNH1):c.656C>G (p.Thr219Arg)

Gene: KCNH1 (potassium voltage-gated channel subfamily H member 1; minus strand). Cytogenetic location: 1q32.2.
Variant type: single nucleotide variant.
Coding change: c.656C>G on transcript NM_172362.3 (MANE Select); coding-DNA position 656, C replaced by G.
Protein change: p.Thr219Arg; replaces threonine 219 with arginine.
Molecular consequence: missense variant.
Genome position (GRCh38, 1-based): chr1:211,019,159, G>C on the plus strand (C>G on the coding strand, the complement: KCNH1 is on the minus strand). VCF-style: chr1-211019159-G-C. GRCh37 (hg19) VCF-style: chr1-211192501-G-C.
Other names: c.656C>G, p.Thr219Arg (NM_002238.4); short protein forms T219R.
Identifiers: ClinVar variation 1479270 (VCV001479270.8), dbSNP rs770912292, ClinGen allele CA344876361.
Genomic context (GRCh38, chr1:211,019,159, plus strand): 5'-ACATTATAAGGGACCAAGATGGCTGTATAGAAGGTCAAGATCAAGATGATCCAATCCCAC[G>C]TGGTCTTAAAAACACAATAATGTAAGATGATGTGAGGGGGAGTCTTTGGTGCCTCTTGCT-3'
Protein context (NP_758872.1, residues 209-229): IILHYCVFKT[Thr219Arg]WDWIILILTF